The following is an entry in ClinVar:

NM_001458.5(FLNC):c.943G>A (p.Glu315Lys)

Gene: FLNC (filamin C; plus strand). Cytogenetic location: 7q32.1.
Variant type: single nucleotide variant.
Coding change: c.943G>A on transcript NM_001458.5 (MANE Select); coding-DNA position 943, G replaced by A.
Protein change: p.Glu315Lys; replaces glutamic acid 315 with lysine.
Molecular consequence: missense variant.
Genome position (GRCh38, 1-based): chr7:128,837,729, G>A. VCF-style: chr7-128837729-G-A. GRCh37 (hg19) VCF-style: chr7-128477783-G-A.
Other names: c.943G>A, p.Glu315Lys (NM_001127487.2); c.943G>A (NM_001458.4); short protein forms E315K.
Identifiers: ClinVar variation 1060253 (VCV001060253.8), dbSNP rs756104407, ClinGen allele CA4474173.
Genomic context (GRCh38, chr7:128,837,729, plus strand): 5'-CCTGCCCACTTCACCGTGCAGACGGTGGACGCGGGCGTGGGCGAGGTGCTGGTCTACATC[G>A]AGGACCCTGAAGGCCACACCGAGGAGGTATGCAGAGGCCGCTGGGGACAGAGGGATTCAC-3'
Protein context (NP_001449.3, residues 305-325): AGVGEVLVYI[Glu315Lys]DPEGHTEEAK

ClinVar aggregate classification (germline): Uncertain significance. Review status: criteria provided, multiple submitters, no conflicts (2 of 4 stars). 3 submissions from 3 submitters: Uncertain significance (3). Last evaluated 2025-09-30.

Conditions:
Distal myopathy with posterior leg and anterior hand involvement. Also called: WILLIAMS DISTAL MYOPATHY. Identifiers: Orphanet 63273, MedGen C3279722, MONDO:0013550, OMIM 614065.
Myofibrillar myopathy 5. Also called: Filaminopathy (type); FILAMINOPATHY, AUTOSOMAL DOMINANT. Identifiers: Orphanet 171445, MedGen C1836050, MONDO:0012289, OMIM 609524.
Hypertrophic cardiomyopathy 26. Also called: Cardiomyopathy, familial hypertrophic, 26. Identifiers: Orphanet 75249, MedGen C4310749, MONDO:0014883, OMIM 617047.
Cardiovascular phenotype. Identifiers: MedGen CN230736.

Allele frequency attached by ClinVar (database versions not stated): gnomAD exomes 0.00001; ExAC 0.00002.
gnomAD v4.1: 10 of 1,593,126 alleles (0.00063%); highest among the groups gnomAD compares: Admixed American, 0.0035%; no homozygotes.

Submissions (3):

Labcorp Genetics (formerly Invitae), Labcorp
Classification: Uncertain significance for Distal myopathy with posterior leg and anterior hand involvement; Myofibrillar myopathy 5; Hypertrophic cardiomyopathy 26. Last evaluated: 2025-09-30. Review status: criteria provided, single submitter. Criteria: Invitae Variant Classification Sherloc (09022015). Collection method: clinical testing. Allele origin: germline.
Comment: This sequence change replaces glutamic acid, which is acidic and polar, with lysine, which is basic and polar, at codon 315 of the FLNC protein (p.Glu315Lys). This variant is present in population databases (rs756104407, gnomAD 0.007%). This variant has not been reported in the literature in individuals affected with FLNC-related conditions. ClinVar contains an entry for this variant (Variation ID: 1060253). Invitae Evidence Modeling of protein sequence and biophysical properties (such as structural, functional, and spatial information, amino acid conservation, physicochemical variation, residue mobility, and thermodynamic stability) has been performed for this missense variant. However, the output from this modeling did not meet the statistical confidence thresholds required to predict the impact of this variant on FLNC protein function. In summary, the available evidence is currently insufficient to determine the role of this variant in disease. Therefore, it has been classified as a Variant of Uncertain Significance.

GeneDx
Classification: Uncertain significance. Last evaluated: 2025-04-15. Review status: criteria provided, single submitter. Criteria: GeneDx Variant Classification Process June 2021. Collection method: clinical testing. Allele origin: germline. Affected: yes.
Comment: Not observed at significant frequency in large population cohorts (gnomAD); In silico analysis supports that this missense variant has a deleterious effect on protein structure/function; Has not been previously published as pathogenic or benign to our knowledge

Ambry Genetics
Classification: Uncertain significance for Cardiovascular phenotype. Last evaluated: 2023-12-15. Review status: criteria provided, single submitter. Criteria: Ambry Variant Classification Scheme 2023. Collection method: clinical testing. Allele origin: germline.
Comment: The p.E315K variant (also known as c.943G>A), located in coding exon 5 of the FLNC gene, results from a G to A substitution at nucleotide position 943. The glutamic acid at codon 315 is replaced by lysine, an amino acid with similar properties. This amino acid position is conserved. In addition, this alteration is predicted to be deleterious by in silico analysis. Since supporting evidence is limited at this time, the clinical significance of this alteration remains unclear.